The following is an entry in ClinVar:

ClinVar aggregate classification (germline): Uncertain significance. Review status: criteria provided, multiple submitters, no conflicts (2 of 4 stars). 2 submissions from 2 submitters: Uncertain significance (2). Last evaluated 2026-03-01.

Conditions:
Retinitis pigmentosa 14 (RP14). Also called: RETINITIS PIGMENTOSA, JUVENILE, TULP1-RELATED. Identifiers: Orphanet 791, MedGen C1838603, MONDO:0010827, OMIM 600132.

Submissions (2):

Medical Molecular Genetics Department, National Research Center
Classification: Uncertain significance for Retinitis pigmentosa 14. Last evaluated: 2026-03-01. Review status: criteria provided, single submitter. Criteria: ACMG Guidelines, 2015. Collection method: research. Allele origin: germline. Affected: yes. Observed: 1 variant allele.
Comment: TULP1 c.1132C>G (p.Arg378Gly): Absent from gnomAD. Novel missense in Tubby domain. Compound heterozygous segregation. REVEL=0.45 (mixed predictions). Limited supporting evidence. Classified Uncertain significance (PM2)

Blueprint Genetics
Classification: Uncertain significance. Last evaluated: 2021-10-11. Review status: criteria provided, single submitter. Criteria: ACMG Guidelines, 2015. Collection method: clinical testing. Allele origin: germline.

NM_003322.6(TULP1):c.1132C>G (p.Arg378Gly)

Gene: TULP1 (TUB like protein 1; minus strand). Cytogenetic location: 6p21.31.
Variant type: single nucleotide variant.
Coding change: c.1132C>G on transcript NM_003322.6 (MANE Select); coding-DNA position 1132, C replaced by G.
Protein change: p.Arg378Gly; replaces arginine 378 with glycine.
Molecular consequence: missense variant.
Genome position (GRCh38, 1-based): chr6:35,503,829, G>C on the plus strand (C>G on the coding strand, the complement: TULP1 is on the minus strand). VCF-style: chr6-35503829-G-C. GRCh37 (hg19) VCF-style: chr6-35471606-G-C.
Other names: p.Arg378Gly; c.973C>G, p.Arg325Gly (NM_001289395.2); short protein forms R325G, R378G.
Identifiers: ClinVar variation 4849649 (VCV004849649.2).
Genomic context (GRCh38, chr6:35,503,829, plus strand): 5'-TTGCCACATTAGTGCTGTACCCACGCTGTGGGTTCTGCCCGTTGTCAAAGACCGTGAAGC[G>C]GTTCCCCAGGAGGTTGGACCTGCAAGCAGGGTAGAGCTTGGGGTGGGGCTGAGGGGATCC-3'
Protein context (NP_003313.3, residues 368-388): GKLRSNLLGN[Arg378Gly]FTVFDNGQNP